The following is an entry in ClinVar:

ClinVar aggregate classification (germline): Uncertain significance (1 of 4 stars; one submission).

Conditions:
Neurodevelopmental disorder with dysmorphic facies and thin corpus callosum. Identifiers: MedGen C5551361, MONDO:0859179, OMIM 619480.

Allele frequency attached by ClinVar (database versions not stated): gnomAD exomes 0.00001; ExAC 0.00002; gnomAD 0.00002; TOPMed 0.00002.
gnomAD v4.1: 14 of 1,613,948 alleles (0.00087%); highest among the groups gnomAD compares: African/African-American, 0.0027%; no homozygotes.

Submission:

Neuberg Centre For Genomic Medicine, NCGM
Classification: Uncertain significance for Neurodevelopmental disorder with dysmorphic facies and thin corpus callosum. Review status: criteria provided, single submitter. Criteria: ACMG Guidelines, 2015. Collection method: clinical testing. Allele origin: germline. Inheritance: Autosomal dominant inheritance. Affected: yes.
Comment: The missense c.3085C>T p.Arg1029Cys variant in SUPT16H has not been reported previously as a pathogenic variant nor as a benign variant, to our knowledge. The p.Arg1029Cys variant is reported with an allele frequency of 0.001% in the gnomAD exomes database and is novel not in any individuals in 1000 Genomes database. This variant has not been reported to the ClinVar database. The amino acid change p.Arg1029Cys in SUPT16H is predicted as conserved by GERP++ and PhyloP across 100 vertebrates. The amino acid Arg at position 1029 is changed to a Cys changing protein sequence and it might alter its composition and physico-chemical properties. For these reasons, this variant has been classified as a Variant of Uncertain Significance VUS.

NM_007192.4(SUPT16H):c.3085C>T (p.Arg1029Cys)

Genes: SUPT16H (SPT16 homolog, facilitates chromatin remodeling subunit; minus strand), LOC126861887 (BRD4-independent group 4 enhancer GRCh37_chr14:21820143-21821342; plus strand). Cytogenetic location: 14q11.2.
Variant type: single nucleotide variant.
Coding change: c.3085C>T on transcript NM_007192.4 (MANE Select); coding-DNA position 3085, C replaced by T.
Protein change: p.Arg1029Cys; replaces arginine 1029 with cysteine.
Molecular consequence: missense variant.
Genome position (GRCh38, 1-based): chr14:21,352,732, G>A on the plus strand (C>T on the coding strand, the complement: SUPT16H is on the minus strand). VCF-style: chr14-21352732-G-A. GRCh37 (hg19) VCF-style: chr14-21820891-G-A.
Other names: short protein forms R1029C.
Identifiers: ClinVar variation 3234894 (VCV003234894.1), dbSNP rs756636080, ClinGen allele CA7089653.